The following is an entry in ClinVar:

GRCh38/hg38 5p15.33(chr5:38141-2509360)x1

Genes: AHRR (aryl hydrocarbon receptor repressor; plus strand), BRD9 (bromodomain containing 9; minus strand), CCDC127 (coiled-coil domain containing 127; minus strand), CEP72 (centrosomal protein 72), CEP72-DT (CEP72 divergent transcript) and 170 more. Cytogenetic location: 5p15.33.
Variant type: copy number loss.
Change: copy number 1 (one copy instead of two) of chr5:38,141-2,509,360 (2.47 Mb, GRCh38 coordinates, 1-based), cytogenetic band 5p15.33.
Identifiers: ClinVar variation 4852047 (VCV004852047.1).

ClinVar aggregate classification (germline): Pathogenic (1 of 4 stars; one submission).

Submission:

Clinical Genomics Laboratory, Laboratory for Precision Diagnostics, University of Washington
Classification: Pathogenic. Last evaluated: 2022-06-21. Review status: criteria provided, single submitter. Criteria: ACMG/ClinGen CNV Guidelines, 2019. Collection method: clinical testing. Allele origin: unknown. Affected: yes. Observed: 1 variant allele.
Comment: Terminal and interstitial deletions of 5p that are associated with 5p- syndrome (Cri du chat syndrome) are highly variable in size. Deletion of the terminal 5p15.33 band has been associated primarily with language delay, and does not result in the characteristic cry or other features of 5p- syndrome (PMID: 34394178).

Literature cited by the submitters: PubMed 20503335; PubMed 34394178.